The following is an entry in ClinVar:

ClinVar aggregate classification (germline): Uncertain significance. Review status: criteria provided, multiple submitters, no conflicts (2 of 4 stars). 3 submissions from 3 submitters: Uncertain significance (3). Last evaluated 2024-05-02.

Conditions:
Hereditary cancer-predisposing syndrome. Also called: Hereditary neoplastic syndrome; Tumor predisposition; Hereditary Cancer Syndrome; Neoplastic Syndromes, Hereditary. Identifiers: Orphanet 140162, MedGen C0027672, MeSH D009386, MONDO:0015356.
Hereditary breast ovarian cancer syndrome. Also called: BRCA1- and BRCA2-Associated Hereditary Breast and Ovarian Cancer; Hereditary breast and ovarian cancer syndrome (HBOC); Hereditary breast and/or ovarian cancer syndrome; Hereditary breast and ovarian cancer syndrome; Hereditary breast and ovarian cancer; Breast and ovarian cancer. Identifiers: Orphanet 145, MedGen C0677776, MeSH D061325, MONDO:0003582. Disease mechanism: loss of function.
Familial cancer of breast. Also called: hereditary breast carcinoma; Hereditary breast cancer; BREAST CANCER, FAMILIAL. Identifiers: Orphanet 227535, MedGen C0346153, MONDO:0016419, OMIM 114480. Disease mechanism: loss of function.

Submissions (3):

Ambry Genetics
Classification: Uncertain significance for Hereditary cancer-predisposing syndrome. Last evaluated: 2024-05-02. Review status: criteria provided, single submitter. Criteria: Ambry Variant Classification Scheme 2023. Collection method: clinical testing. Allele origin: germline.
Comment: The p.D99G variant (also known as c.296A>G), located in coding exon 2 of the BRCA2 gene, results from an A to G substitution at nucleotide position 296. The aspartic acid at codon 99 is replaced by glycine, an amino acid with similar properties. This amino acid position is not well conserved and glycine is a reference amino acid in several species. In silico splice site analysis predicts that this alteration may weaken the native splice donor site and will result in the creation or strengthening of a novel splice donor site; however direct evidence is insufficient (Ambry internal data). In addition, as a missense, this alteration is predicted to be tolerated by protein in silico analysis. Based on the available evidence, the clinical significance of this variant remains unclear.

Baylor Genetics
Classification: Uncertain significance for Familial cancer of breast. Last evaluated: 2024-02-02. Review status: criteria provided, single submitter. Criteria: ACMG Guidelines, 2015. Collection method: clinical testing. Allele origin: unknown.

Labcorp Genetics (formerly Invitae), Labcorp
Classification: Uncertain significance for Hereditary breast ovarian cancer syndrome. Last evaluated: 2023-11-13. Review status: criteria provided, single submitter. Criteria: Invitae Variant Classification Sherloc (09022015). Collection method: clinical testing. Allele origin: germline.
Comment: This sequence change replaces aspartic acid, which is acidic and polar, with glycine, which is neutral and non-polar, at codon 99 of the BRCA2 protein (p.Asp99Gly). This variant is not present in population databases (gnomAD no frequency). This variant has not been reported in the literature in individuals affected with BRCA2-related conditions. ClinVar contains an entry for this variant (Variation ID: 219849). Advanced modeling of protein sequence and biophysical properties (such as structural, functional, and spatial information, amino acid conservation, physicochemical variation, residue mobility, and thermodynamic stability) performed at Invitae indicates that this missense variant is not expected to disrupt BRCA2 protein function with a negative predictive value of 95%. Algorithms developed to predict the effect of sequence changes on RNA splicing suggest that this variant may disrupt the consensus splice site. In summary, the available evidence is currently insufficient to determine the role of this variant in disease. Therefore, it has been classified as a Variant of Uncertain Significance.

NM_000059.4(BRCA2):c.296A>G (p.Asp99Gly)

Gene: BRCA2 (BRCA2 DNA repair associated; plus strand). Cytogenetic location: 13q13.1.
Variant type: single nucleotide variant.
Coding change: c.296A>G on transcript NM_000059.4 (MANE Select); coding-DNA position 296, A replaced by G.
Protein change: p.Asp99Gly; replaces aspartic acid 99 with glycine.
Molecular consequence: missense variant.
Genome position (GRCh38, 1-based): chr13:32,319,305, A>G. VCF-style: chr13-32319305-A-G. GRCh37 (hg19) VCF-style: chr13-32893442-A-G.
Other names: short protein forms D99G.
Identifiers: ClinVar variation 219849 (VCV000219849.17), dbSNP rs864622276, ClinGen allele CA349391.